The following is an entry in ClinVar:

ClinVar aggregate classification (germline): Likely benign. Review status: criteria provided, multiple submitters, no conflicts (2 of 4 stars). 3 submissions from 3 submitters: Likely benign (3). Last evaluated 2026-05-01.

Allele frequency attached by ClinVar (database versions not stated): 1000 Genomes Project 30x 0.00094; ESP Exome Variant Server 0.00101; TOPMed 0.00111; 1000 Genomes Project 0.00120; gnomAD 0.00170 and 0.00175; gnomAD exomes 0.00188 and 0.00211; ExAC 0.00234.
gnomAD v4.1: 3,208 of 1,557,846 alleles (0.21%); highest among the groups gnomAD compares: Non-Finnish European, 0.22%; 8 homozygotes.

Submissions (3):

CeGaT Center for Human Genetics Tuebingen
Classification: Likely benign. Last evaluated: 2026-05-01. Review status: criteria provided, single submitter. Criteria: CeGaT Center For Human Genetics Tuebingen Variant Classification Criteria Version 2. Collection method: clinical testing. Allele origin: germline. Affected: yes. Observed: 2 variant alleles.
Comment: CEP250: BP4, BS2

Labcorp Genetics (formerly Invitae), Labcorp
Classification: Likely benign. Last evaluated: 2026-01-27. Review status: criteria provided, single submitter. Criteria: Invitae Variant Classification Sherloc (09022015). Collection method: clinical testing. Allele origin: germline.

Blueprint Genetics
Classification: Likely benign. Last evaluated: 2024-10-30. Review status: criteria provided, single submitter. Criteria: ACMG Guidelines, 2015. Collection method: clinical testing. Allele origin: germline.

NM_007186.6(CEP250):c.6943A>G (p.Met2315Val)

Gene: CEP250 (centrosomal protein 250; plus strand). Cytogenetic location: 20q11.22.
Variant type: single nucleotide variant.
Coding change: c.6943A>G on transcript NM_007186.6 (MANE Select); coding-DNA position 6943, A replaced by G.
Protein change: p.Met2315Val; replaces methionine 2315 with valine.
Molecular consequence: missense variant.
Genome position (GRCh38, 1-based): chr20:35,508,979, A>G. VCF-style: chr20-35508979-A-G. GRCh37 (hg19) VCF-style: chr20-34096808-A-G.
Other names: c.5047A>G, p.Met1683Val (NM_001318219.1); short protein forms M1683V, M2315V.
Identifiers: ClinVar variation 788923 (VCV000788923.30), dbSNP rs114001563, ClinGen allele CA9834194.